The following is an entry in ClinVar:

ClinVar aggregate classification (germline): Uncertain significance. Review status: criteria provided, multiple submitters, no conflicts (2 of 4 stars). 2 submissions from 2 submitters: Uncertain significance (2). Last evaluated 2022-03-15.

Conditions:
Hereditary cancer-predisposing syndrome. Also called: Tumor predisposition; Hereditary neoplastic syndrome; Neoplastic Syndromes, Hereditary; Hereditary Cancer Syndrome. Identifiers: Orphanet 140162, MedGen C0027672, MeSH D009386, MONDO:0015356.

Submissions (2):

Ambry Genetics
Classification: Uncertain significance for Hereditary cancer-predisposing syndrome. Last evaluated: 2022-03-15. Review status: criteria provided, single submitter. Criteria: Ambry Variant Classification Scheme 2023. Collection method: clinical testing. Allele origin: germline.
Comment: The p.E577A variant (also known as c.1730A>C), located in coding exon 11 of the RAD50 gene, results from an A to C substitution at nucleotide position 1730. The glutamic acid at codon 577 is replaced by alanine, an amino acid with dissimilar properties. This amino acid position is conserved. In addition, this alteration is predicted to be deleterious by in silico analysis. Since supporting evidence is limited at this time, the clinical significance of this alteration remains unclear.

Labcorp Genetics (formerly Invitae), Labcorp
Classification: Uncertain significance for Hereditary cancer-predisposing syndrome. Last evaluated: 2021-06-13. Review status: criteria provided, single submitter. Criteria: Invitae Variant Classification Sherloc (09022015). Collection method: clinical testing. Allele origin: germline.
Comment: Algorithms developed to predict the effect of missense changes on protein structure and function (SIFT, PolyPhen-2, Align-GVGD) all suggest that this variant is likely to be tolerated, but these predictions have not been confirmed by published functional studies and their clinical significance is uncertain. This sequence change replaces glutamic acid with alanine at codon 577 of the RAD50 protein (p.Glu577Ala). The glutamic acid residue is moderately conserved and there is a moderate physicochemical difference between glutamic acid and alanine. This variant is not present in population databases (ExAC no frequency). This variant has not been reported in the literature in individuals with RAD50-related conditions. In summary, the available evidence is currently insufficient to determine the role of this variant in disease. Therefore, it has been classified as a Variant of Uncertain Significance.

NM_005732.4(RAD50):c.1730A>C (p.Glu577Ala)

Gene: RAD50 (RAD50 double strand break repair protein; plus strand). Cytogenetic location: 5q31.1.
Variant type: single nucleotide variant.
Coding change: c.1730A>C on transcript NM_005732.4 (MANE Select); coding-DNA position 1730, A replaced by C.
Protein change: p.Glu577Ala; replaces glutamic acid 577 with alanine.
Molecular consequence: missense variant.
Genome position (GRCh38, 1-based): chr5:132,591,971, A>C. VCF-style: chr5-132591971-A-C. GRCh37 (hg19) VCF-style: chr5-131927663-A-C.
Other names: short protein forms E577A.
Identifiers: ClinVar variation 957553 (VCV000957553.12), dbSNP rs1750709284, ClinGen allele CA360946525.